The following is an entry in ClinVar:

ClinVar aggregate classification (germline): Uncertain significance. Review status: criteria provided, multiple submitters, no conflicts (2 of 4 stars). 2 submissions from 2 submitters: Uncertain significance (2). Last evaluated 2025-02-04.

Conditions:
Kabuki syndrome. Also called: NIIKAWA-KUROKI SYNDROME; Kabuki make-up syndrome. Identifiers: Orphanet 2322, MedGen C0796004, MONDO:0016512.

Submissions (2):

Labcorp Genetics (formerly Invitae), Labcorp
Classification: Uncertain significance for Kabuki syndrome. Last evaluated: 2025-02-04. Review status: criteria provided, single submitter. Criteria: Invitae Variant Classification Sherloc (09022015). Collection method: clinical testing. Allele origin: germline.
Comment: This sequence change replaces proline, which is neutral and non-polar, with leucine, which is neutral and non-polar, at codon 535 of the KMT2D protein (p.Pro535Leu). This variant is not present in population databases (gnomAD no frequency). This variant has not been reported in the literature in individuals affected with KMT2D-related conditions. Invitae Evidence Modeling of protein sequence and biophysical properties (such as structural, functional, and spatial information, amino acid conservation, physicochemical variation, residue mobility, and thermodynamic stability) indicates that this missense variant is not expected to disrupt KMT2D protein function with a negative predictive value of 95%. In summary, the available evidence is currently insufficient to determine the role of this variant in disease. Therefore, it has been classified as a Variant of Uncertain Significance.

Blueprint Genetics
Classification: Uncertain significance. Last evaluated: 2022-11-04. Review status: criteria provided, single submitter. Criteria: ACMG Guidelines, 2015. Collection method: clinical testing. Allele origin: germline.

NM_003482.4(KMT2D):c.1604C>T (p.Pro535Leu)

Gene: KMT2D (lysine methyltransferase 2D; minus strand). Cytogenetic location: 12q13.12.
Variant type: single nucleotide variant.
Coding change: c.1604C>T on transcript NM_003482.4 (MANE Select); coding-DNA position 1604, C replaced by T.
Protein change: p.Pro535Leu; replaces proline 535 with leucine.
Molecular consequence: missense variant.
Genome position (GRCh38, 1-based): chr12:49,052,079, G>A on the plus strand (C>T on the coding strand, the complement: KMT2D is on the minus strand). VCF-style: chr12-49052079-G-A. GRCh37 (hg19) VCF-style: chr12-49445862-G-A.
Other names: short protein forms P535L.
Identifiers: ClinVar variation 4811293 (VCV004811293.2).
Genomic context (GRCh38, chr12:49,052,079, plus strand): 5'-GACAAAGGAGATTCTTCAAATGGTGGGGACAGGGGCGATGCTTCAGGTGGTGGGGATAGA[G>A]GCGTCTCAAGTGCAGGAGATGGGGGTGACTCTTCCGGTGGAGACAAGGGCGACTCCTCCA-3'
Protein context (NP_003473.3, residues 525-545): ESPPSPALET[Pro535Leu]LSPPPEASPL